The following is an entry in ClinVar:

NM_000038.6(APC):c.5866A>T (p.Ile1956Phe)

Gene: APC (APC regulator of Wnt signaling pathway; plus strand). Cytogenetic location: 5q22.2.
Variant type: single nucleotide variant.
Coding change: c.5866A>T on transcript NM_000038.6 (MANE Select); coding-DNA position 5866, A replaced by T.
Protein change: p.Ile1956Phe; replaces isoleucine 1956 with phenylalanine.
Molecular consequence: missense variant.
Genome position (GRCh38, 1-based): chr5:112,841,460, A>T. VCF-style: chr5-112841460-A-T. GRCh37 (hg19) VCF-style: chr5-112177157-A-T.
Other names: c.5866A>T, p.Ile1956Phe (NM_001127510.3, NM_001354895.2); c.5812A>T, p.Ile1938Phe (NM_001127511.3); c.5920A>T, p.Ile1974Phe (NM_001354896.2); c.5896A>T, p.Ile1966Phe (NM_001354897.2); c.5791A>T, p.Ile1931Phe (NM_001354898.2); c.5782A>T, p.Ile1928Phe (NM_001354899.2); c.5743A>T, p.Ile1915Phe (NM_001354900.2); c.5689A>T, p.Ile1897Phe (NM_001354901.2); and 5 more; short protein forms I1938F, I1956F, I1915F, I1796F, I1830F, I1865F, I1928F, I1931F.
Identifiers: ClinVar variation 233259 (VCV000233259.12), dbSNP rs749597014, ClinGen allele CA10578413.

ClinVar aggregate classification (germline): Uncertain significance. Review status: criteria provided, multiple submitters, no conflicts (2 of 4 stars). 4 submissions from 4 submitters: Uncertain significance (4). Last evaluated 2025-03-26.

Conditions:
Familial adenomatous polyposis 1 (FAP1). Also called: FAMILIAL ADENOMATOUS POLYPOSIS 1, ATTENUATED; POLYPOSIS, ADENOMATOUS INTESTINAL. Identifiers: MedGen C2713442, MONDO:0021056, OMIM 175100. Disease mechanism: loss of function.
Hereditary cancer-predisposing syndrome. Also called: Neoplastic Syndromes, Hereditary; Tumor predisposition; Hereditary Cancer Syndrome; Hereditary neoplastic syndrome. Identifiers: Orphanet 140162, MedGen C0027672, MeSH D009386, MONDO:0015356.

gnomAD v4.1: 3 of 1,613,856 alleles (0.00019%); highest among the groups gnomAD compares: Non-Finnish European, 0.00025%; no homozygotes.

Submissions (4):

Labcorp Genetics (formerly Invitae), Labcorp
Classification: Uncertain significance for Familial adenomatous polyposis 1. Last evaluated: 2025-03-26. Review status: criteria provided, single submitter. Criteria: Invitae Variant Classification Sherloc (09022015). Collection method: clinical testing. Allele origin: germline.
Comment: This sequence change replaces isoleucine, which is neutral and non-polar, with phenylalanine, which is neutral and non-polar, at codon 1956 of the APC protein (p.Ile1956Phe). This variant is not present in population databases (gnomAD no frequency). This variant has not been reported in the literature in individuals affected with APC-related conditions. ClinVar contains an entry for this variant (Variation ID: 233259). Invitae Evidence Modeling of protein sequence and biophysical properties (such as structural, functional, and spatial information, amino acid conservation, physicochemical variation, residue mobility, and thermodynamic stability) indicates that this missense variant is not expected to disrupt APC protein function with a negative predictive value of 95%. In summary, the available evidence is currently insufficient to determine the role of this variant in disease. Therefore, it has been classified as a Variant of Uncertain Significance.

Baylor Genetics
Classification: Uncertain significance for Familial adenomatous polyposis 1. Last evaluated: 2023-07-21. Review status: criteria provided, single submitter. Criteria: ACMG Guidelines, 2015. Collection method: clinical testing. Allele origin: unknown.

Sema4
Classification: Uncertain significance for Hereditary cancer-predisposing syndrome. Last evaluated: 2021-09-23. Review status: criteria provided, single submitter. Criteria: Sema4 Curation Guidelines. Collection method: curation. Allele origin: germline.
Comment: The APC c.5866A>T (p.I1956F) variant has not been reported in the literature to our knowledge. It was not observed in the large and broad cohorts of the Genome Aggregation Database (PMID: 32461654). The variant has been reported in ClinVar (Variation ID 233259). In silico tools suggest the impact of the variant on protein function is inconclusive, though these predictions have not been confirmed by functional studies. The evidence is insufficient to meet ACMG/AMP criteria for classifying the variant as benign or pathogenic. Thus, the clinical significance of this variant is currently uncertain.

Ambry Genetics
Classification: Uncertain significance for Hereditary cancer-predisposing syndrome. Last evaluated: 2015-08-10. Review status: criteria provided, single submitter. Criteria: Ambry Variant Classification Scheme 2023. Collection method: clinical testing. Allele origin: germline.
Comment: The p.I1956F variant (also known as c.5866A>T), located in coding exon 15 of the APC gene, results from an A to T substitution at nucleotide position 5866. The isoleucine at codon 1956 is replaced by phenylalanine, an amino acid with highly similar properties. This variant was not reported in population based cohorts in the following databases: Database of Single Nucleotide Polymorphisms (dbSNP), NHLBI Exome Sequencing Project (ESP), and 1000 Genomes Project. In the ESP, this variant was not observed in 6501 samples (13002 alleles) with coverage at this position. To date, this alteration has been detected with an allele frequency of approximately 0.003% (greater than 32000 alleles tested) in our clinical cohort. This amino acid position is well conserved in available vertebrate species. In addition, in silico predictors for this gene do not accurately predict pathogenicity. Since supporting evidence is limited at this time, the clinical significance of p.I1956F remains unclear.